The following is an entry in ClinVar:

NM_024422.6(DSC2):c.1675T>C (p.Cys559Arg)

Gene: DSC2 (desmocollin 2; minus strand). Cytogenetic location: 18q12.1.
Variant type: single nucleotide variant.
Coding change: c.1675T>C on transcript NM_024422.6 (MANE Select); coding-DNA position 1675, T replaced by C.
Protein change: p.Cys559Arg; replaces cysteine 559 with arginine.
Molecular consequence: missense variant.
Genome position (GRCh38, 1-based): chr18:31,074,896, A>G on the plus strand (T>C on the coding strand, the complement: DSC2 is on the minus strand). VCF-style: chr18-31074896-A-G. GRCh37 (hg19) VCF-style: chr18-28654862-A-G.
Other names: c.1246T>C, p.Cys416Arg (NM_001406506.1, NM_001406507.1); c.1675T>C, p.Cys559Arg (NM_004949.5); short protein forms C559R, C416R.
Identifiers: ClinVar variation 1777785 (VCV001777785.2), dbSNP rs2510943088, ClinGen allele CA402114479.

ClinVar aggregate classification (germline): Uncertain significance (1 of 4 stars; one submission).

Conditions:
Cardiovascular phenotype. Identifiers: MedGen CN230736.

Submission:

Ambry Genetics
Classification: Uncertain significance for Cardiovascular phenotype. Last evaluated: 2021-07-22. Review status: criteria provided, single submitter. Criteria: Ambry Variant Classification Scheme 2023. Collection method: clinical testing. Allele origin: germline.
Comment: The p.C559R variant (also known as c.1675T>C), located in coding exon 12 of the DSC2 gene, results from a T to C substitution at nucleotide position 1675. The cysteine at codon 559 is replaced by arginine, an amino acid with highly dissimilar properties. This amino acid position is conserved. In addition, this alteration is predicted to be tolerated by in silico analysis. Since supporting evidence is limited at this time, the clinical significance of this alteration remains unclear.